The following is an entry in ClinVar:

NM_006904.7(PRKDC):c.7967T>G (p.Phe2656Cys)

Gene: PRKDC (protein kinase, DNA-activated, catalytic subunit; minus strand). Cytogenetic location: 8q11.21.
Variant type: single nucleotide variant.
Coding change: c.7967T>G on transcript NM_006904.7 (MANE Select); coding-DNA position 7967, T replaced by G.
Protein change: p.Phe2656Cys; replaces phenylalanine 2656 with cysteine.
Molecular consequence: missense variant.
Genome position (GRCh38, 1-based): chr8:47,834,381, A>C on the plus strand (T>G on the coding strand, the complement: PRKDC is on the minus strand). VCF-style: chr8-47834381-A-C. GRCh37 (hg19) VCF-style: chr8-48746942-A-C.
Other names: c.7967T>G, p.Phe2656Cys (NM_001081640.2); short protein forms F2656C.
Identifiers: ClinVar variation 1761413 (VCV001761413.2), dbSNP rs2551867092, ClinGen allele CA371149993.

ClinVar aggregate classification (germline): Uncertain significance (1 of 4 stars; one submission).

Submission:

Ambry Genetics
Classification: Uncertain significance. Last evaluated: 2022-04-22. Review status: criteria provided, single submitter. Criteria: Ambry Variant Classification Scheme 2023. Collection method: clinical testing. Allele origin: germline.
Comment: The p.F2656C variant (also known as c.7967T>G), located in coding exon 59 of the PRKDC gene, results from a T to G substitution at nucleotide position 7967. The phenylalanine at codon 2656 is replaced by cysteine, an amino acid with highly dissimilar properties. This amino acid position is conserved. In addition, this alteration is predicted to be tolerated by in silico analysis. Since supporting evidence is limited at this time, the clinical significance of this alteration remains unclear.